The following is an entry in ClinVar:

ClinVar aggregate classification (germline): Uncertain significance (1 of 4 stars; one submission).

gnomAD v4.1: 1 of 1,614,174 alleles (0.000062%); highest among the groups gnomAD compares: Admixed American, 0.0017%; no homozygotes.

Submission:

Labcorp Genetics (formerly Invitae), Labcorp
Classification: Uncertain significance. Last evaluated: 2022-07-15. Review status: criteria provided, single submitter. Criteria: Invitae Variant Classification Sherloc (09022015). Collection method: clinical testing. Allele origin: germline.
Comment: This sequence change creates a premature translational stop signal (p.Trp603*) in the LOXL3 gene. It is expected to result in an absent or disrupted protein product. However, the current clinical and genetic evidence is not sufficient to establish whether loss-of-function variants in LOXL3 cause disease. This variant is present in population databases (rs779944234, gnomAD 0.003%). This variant has not been reported in the literature in individuals affected with LOXL3-related conditions. In summary, the available evidence is currently insufficient to determine the role of this variant in disease. Therefore, it has been classified as a Variant of Uncertain Significance.

NM_032603.5(LOXL3):c.1809G>A (p.Trp603Ter)

Gene: LOXL3 (lysyl oxidase like 3; minus strand). Cytogenetic location: 2p13.1.
Variant type: single nucleotide variant.
Coding change: c.1809G>A on transcript NM_032603.5 (MANE Select); coding-DNA position 1809, G replaced by A.
Protein change: p.Trp603Ter; replaces tryptophan 603 with a stop codon.
Molecular consequence: nonsense.
Genome position (GRCh38, 1-based): chr2:74,534,545, C>T on the plus strand (G>A on the coding strand, the complement: LOXL3 is on the minus strand). VCF-style: chr2-74534545-C-T. GRCh37 (hg19) VCF-style: chr2-74761672-C-T.
Other names: c.1374G>A, p.Trp458Ter (NM_001289164.3); c.726G>A, p.Trp242Ter (NM_001289165.2); short protein forms W458*, W242*, W603*.
Identifiers: ClinVar variation 2012690 (VCV002012690.4), dbSNP rs779944234, ClinGen allele CA1728803.